The following is an entry in ClinVar:

NM_000153.4(GALC):c.1882A>T (p.Lys628Ter)

Gene: GALC (galactosylceramidase; minus strand). Cytogenetic location: 14q31.3.
Variant type: single nucleotide variant.
Coding change: c.1882A>T on transcript NM_000153.4 (MANE Select); coding-DNA position 1882, A replaced by T.
Protein change: p.Lys628Ter; replaces lysine 628 with a stop codon.
Molecular consequence: nonsense.
Genome position (GRCh38, 1-based): chr14:87,939,934, T>A on the plus strand (A>T on the coding strand, the complement: GALC is on the minus strand). VCF-style: chr14-87939934-T-A. GRCh37 (hg19) VCF-style: chr14-88406278-T-A.
Other names: p.Lys628Ter; c.1813A>T, p.Lys605Ter (NM_001201401.2); c.1804A>T, p.Lys602Ter (NM_001201402.2); short protein forms K602*, K605*, K628*.
Identifiers: ClinVar variation 2502895 (VCV002502895.2), dbSNP rs2503334646, ClinGen allele CA390745461.

ClinVar aggregate classification (germline): Likely pathogenic (1 of 4 stars; one submission).

Conditions:
Galactosylceramide beta-galactosidase deficiency. Also called: Leukodystrophy, Globoid Cell; GALACTOCEREBROSIDASE DEFICIENCY; GALC DEFICIENCY; GLOBOID CELL LEUKOENCEPHALOPATHY; Krabbe Disease. Identifiers: Orphanet 487, MedGen C0023521, MONDO:0009499, OMIM 245200.

Submission:

Foundation for Research in Genetics and Endocrinology, FRIGE's Institute of Human Genetics
Classification: Likely pathogenic for Galactosylceramide beta-galactosidase deficiency. Last evaluated: 2023-05-26. Review status: criteria provided, single submitter. Criteria: ACMG Guidelines, 2015. Collection method: clinical testing. Allele origin: germline. Inheritance: Autosomal recessive inheritance. Affected: yes. Observed: 1 homozygote.
Comment: A homozygous variation in exon 16 of the GALC gene that results in a stop codon and premature truncation of the protein at codon 628 was detected. The observed variant c.1882A>T (p.Lys628Ter) has not been reported in the 1000 genomes and gnomAD databases. The in silico prediction of the variant are possibly damaging MutationTaster2 and DANN. In summary, the variant meets our criteria to be classified as likely pathogenic.